The following is an entry in ClinVar:

ClinVar aggregate classification (germline): Uncertain significance (1 of 4 stars; one submission).

Conditions:
Cardiovascular phenotype. Identifiers: MedGen CN230736.

Submission:

Ambry Genetics
Classification: Uncertain significance for Cardiovascular phenotype. Last evaluated: 2026-05-20. Review status: criteria provided, single submitter. Criteria: Ambry Variant Classification Scheme 2023. Collection method: clinical testing. Allele origin: germline.
Comment: The p.Q616E variant (also known as c.1846C>G), located in coding exon 14 of the DSP gene, results from a C to G substitution at nucleotide position 1846. The glutamine at codon 616 is replaced by glutamic acid, an amino acid with highly similar properties. This amino acid position is conserved. In addition, the in silico prediction for this alteration is inconclusive. Based on the available evidence, the clinical significance of this variant remains unclear.

NM_004415.4(DSP):c.1846C>G (p.Gln616Glu)

Gene: DSP (desmoplakin; plus strand). Cytogenetic location: 6p24.3.
Variant type: single nucleotide variant.
Coding change: c.1846C>G on transcript NM_004415.4 (MANE Select); coding-DNA position 1846, C replaced by G.
Protein change: p.Gln616Glu; replaces glutamine 616 with glutamic acid.
Molecular consequence: missense variant.
Genome position (GRCh38, 1-based): chr6:7,571,527, C>G. VCF-style: chr6-7571527-C-G. GRCh37 (hg19) VCF-style: chr6-7571760-C-G.
Other names: c.1846C>G, p.Gln616Glu (NM_001008844.3, NM_001319034.2); short protein forms Q616E.
Identifiers: ClinVar variation 4870137 (VCV004870137.1).